The following is an entry in ClinVar:

NM_032188.3(KAT8):c.417T>C (p.Thr139=)

Gene: KAT8 (lysine acetyltransferase 8; plus strand). Cytogenetic location: 16p11.2.
Variant type: single nucleotide variant.
Coding change: c.417T>C on transcript NM_032188.3 (MANE Select); coding-DNA position 417, T replaced by C.
Protein change: p.Thr139=; no amino-acid change (threonine 139 retained).
Molecular consequence: synonymous variant.
Genome position (GRCh38, 1-based): chr16:31,120,469, T>C. VCF-style: chr16-31120469-T-C. GRCh37 (hg19) VCF-style: chr16-31131790-T-C.
Other names: c.417T>C, p.Thr139= (NM_182958.4).
Identifiers: ClinVar variation 4929581 (VCV004929581.2).

ClinVar aggregate classification (germline): Likely benign. Review status: criteria provided, multiple submitters, no conflicts (2 of 4 stars). 2 submissions from 2 submitters: Likely benign (2). Last evaluated 2026-07-01.

gnomAD v4.1: 472 of 1,613,544 alleles (0.029%); highest among the groups gnomAD compares: Non-Finnish European, 0.035%; no homozygotes.

Submissions (2):

CeGaT Center for Human Genetics Tuebingen
Classification: Likely benign. Last evaluated: 2026-07-01. Review status: criteria provided, single submitter. Criteria: CeGaT Center For Human Genetics Tuebingen Variant Classification Criteria Version 2. Collection method: clinical testing. Allele origin: germline. Affected: yes. Observed: 1 variant allele.
Comment: KAT8: BP4, BP7

Blueprint Genetics
Classification: Likely benign. Last evaluated: 2024-11-11. Review status: criteria provided, single submitter. Criteria: ACMG Guidelines, 2015. Collection method: clinical testing. Allele origin: germline.